The following is an entry in ClinVar:

ClinVar aggregate classification (germline): Uncertain significance (1 of 4 stars; one submission).

Conditions:
Legius syndrome. Identifiers: Orphanet 137605, MedGen C1969623, MONDO:0012669, OMIM 611431. Disease mechanism: loss of function.

Allele frequency attached by ClinVar (database versions not stated): gnomAD exomes below 0.00001.
gnomAD v4.1: 3 of 1,613,768 alleles (0.00019%); highest among the groups gnomAD compares: Non-Finnish European, 0.00025%; no homozygotes.

Submission:

Labcorp Genetics (formerly Invitae), Labcorp
Classification: Uncertain significance for Legius syndrome. Last evaluated: 2022-10-10. Review status: criteria provided, single submitter. Criteria: Invitae Variant Classification Sherloc (09022015). Collection method: clinical testing. Allele origin: germline.
Comment: In summary, the available evidence is currently insufficient to determine the role of this variant in disease. Therefore, it has been classified as a Variant of Uncertain Significance. Algorithms developed to predict the effect of sequence changes on RNA splicing suggest that this variant may create or strengthen a splice site. Advanced modeling of protein sequence and biophysical properties (such as structural, functional, and spatial information, amino acid conservation, physicochemical variation, residue mobility, and thermodynamic stability) performed at Invitae indicates that this missense variant is expected to disrupt SPRED1 protein function. This variant has not been reported in the literature in individuals affected with SPRED1-related conditions. This variant is not present in population databases (gnomAD no frequency). This sequence change replaces aspartic acid, which is acidic and polar, with tyrosine, which is neutral and polar, at codon 79 of the SPRED1 protein (p.Asp79Tyr).

NM_152594.3(SPRED1):c.235G>T (p.Asp79Tyr)

Gene: SPRED1 (sprouty related EVH1 domain containing 1; plus strand). Cytogenetic location: 15q14.
Variant type: single nucleotide variant.
Coding change: c.235G>T on transcript NM_152594.3 (MANE Select); coding-DNA position 235, G replaced by T.
Protein change: p.Asp79Tyr; replaces aspartic acid 79 with tyrosine.
Molecular consequence: missense variant.
Genome position (GRCh38, 1-based): chr15:38,322,268, G>T. VCF-style: chr15-38322268-G-T. GRCh37 (hg19) VCF-style: chr15-38614469-G-T.
Other names: short protein forms D79Y.
Identifiers: ClinVar variation 2183643 (VCV002183643.4), dbSNP rs2542695503, ClinGen allele CA391931939.